The following is an entry in ClinVar:

ClinVar aggregate classification (germline): Uncertain significance (1 of 4 stars; one submission).

Submission:

Labcorp Genetics (formerly Invitae), Labcorp
Classification: Uncertain significance. Last evaluated: 2025-04-11. Review status: criteria provided, single submitter. Criteria: Invitae Variant Classification Sherloc (09022015). Collection method: clinical testing. Allele origin: germline.
Comment: This sequence change replaces glutamic acid, which is acidic and polar, with glycine, which is neutral and non-polar, at codon 1304 of the SETBP1 protein (p.Glu1304Gly). This variant is not present in population databases (gnomAD no frequency). This variant has not been reported in the literature in individuals affected with SETBP1-related conditions. Invitae Evidence Modeling of protein sequence and biophysical properties (such as structural, functional, and spatial information, amino acid conservation, physicochemical variation, residue mobility, and thermodynamic stability) indicates that this missense variant is not expected to disrupt SETBP1 protein function with a negative predictive value of 80%. In summary, the available evidence is currently insufficient to determine the role of this variant in disease. Therefore, it has been classified as a Variant of Uncertain Significance.

NM_015559.3(SETBP1):c.3911A>G (p.Glu1304Gly)

Gene: SETBP1 (SET binding protein 1; plus strand). Cytogenetic location: 18q12.3.
Variant type: single nucleotide variant.
Coding change: c.3911A>G on transcript NM_015559.3 (MANE Select); coding-DNA position 3911, A replaced by G.
Protein change: p.Glu1304Gly; replaces glutamic acid 1304 with glycine.
Molecular consequence: missense variant.
Genome position (GRCh38, 1-based): chr18:44,953,251, A>G. VCF-style: chr18-44953251-A-G. GRCh37 (hg19) VCF-style: chr18-42533216-A-G.
Other names: c.3911A>G, p.Glu1304Gly (NM_001379141.1, NM_001379142.1, NM_001410862.1); short protein forms E1304G.
Identifiers: ClinVar variation 4740311 (VCV004740311.1).